The following is an entry in ClinVar:

ClinVar aggregate classification (germline): Uncertain significance (1 of 4 stars; one submission).

Conditions:
Dyskeratosis congenita. Identifiers: Orphanet 1775, MedGen C0265965, MONDO:0015780.

gnomAD v4.1: 1 of 1,553,140 alleles (0.000064%); no homozygotes.

Submission:

Labcorp Genetics (formerly Invitae), Labcorp
Classification: Uncertain significance for Dyskeratosis congenita. Last evaluated: 2022-06-27. Review status: criteria provided, single submitter. Criteria: Invitae Variant Classification Sherloc (09022015). Collection method: clinical testing. Allele origin: germline.
Comment: This sequence change replaces tryptophan, which is neutral and slightly polar, with cysteine, which is neutral and slightly polar, at codon 594 of the CTC1 protein (p.Trp594Cys). In summary, the available evidence is currently insufficient to determine the role of this variant in disease. Therefore, it has been classified as a Variant of Uncertain Significance. Algorithms developed to predict the effect of missense changes on protein structure and function are either unavailable or do not agree on the potential impact of this missense change (SIFT: "Deleterious"; PolyPhen-2: "Probably Damaging"; Align-GVGD: "Class C0"). ClinVar contains an entry for this variant (Variation ID: 1060470). This variant has not been reported in the literature in individuals affected with CTC1-related conditions. This variant is not present in population databases (gnomAD no frequency).

NM_025099.6(CTC1):c.1782G>T (p.Trp594Cys)

Gene: CTC1 (CST telomere replication complex component 1; minus strand). Cytogenetic location: 17p13.1.
Variant type: single nucleotide variant.
Coding change: c.1782G>T on transcript NM_025099.6 (MANE Select); coding-DNA position 1782, G replaced by T.
Protein change: p.Trp594Cys; replaces tryptophan 594 with cysteine.
Molecular consequence: missense variant. On other transcripts: non-coding transcript variant (1).
Genome position (GRCh38, 1-based): chr17:8,234,491, C>A on the plus strand (G>T on the coding strand, the complement: CTC1 is on the minus strand). VCF-style: chr17-8234491-C-A. GRCh37 (hg19) VCF-style: chr17-8137809-C-A.
Other names: short protein forms W594C.
Identifiers: ClinVar variation 1060470 (VCV001060470.9), dbSNP rs2151517027, ClinGen allele CA397982587.